The following is an entry in ClinVar:

NM_000094.4(COL7A1):c.7738C>T (p.Arg2580Cys)

Gene: COL7A1 (collagen type VII alpha 1 chain; minus strand). Cytogenetic location: 3p21.31.
Variant type: single nucleotide variant.
Coding change: c.7738C>T on transcript NM_000094.4 (MANE Select); coding-DNA position 7738, C replaced by T.
Protein change: p.Arg2580Cys; replaces arginine 2580 with cysteine.
Molecular consequence: missense variant.
Genome position (GRCh38, 1-based): chr3:48,568,804, G>A on the plus strand (C>T on the coding strand, the complement: COL7A1 is on the minus strand). VCF-style: chr3-48568804-G-A. GRCh37 (hg19) VCF-style: chr3-48606237-G-A.
Other names: c.7738C>T (NM_000094.3); short protein forms R2580C.
Identifiers: ClinVar variation 1048054 (VCV001048054.25), dbSNP rs762084565, ClinGen allele CA2378341.

ClinVar aggregate classification (germline): Pathogenic/Likely pathogenic. Review status: criteria provided, multiple submitters, no conflicts (2 of 4 stars). 4 submissions from 4 submitters: Pathogenic (3); Likely pathogenic (1). Last evaluated 2025-12-26.

Conditions:
Transient bullous dermolysis of the newborn (TBDN). Also called: EPIDERMOLYSIS BULLOSA DYSTROPHICA, NEONATAL FORM; DYSTROPHIC EPIDERMOLYSIS BULLOSA, NEONATAL. Identifiers: Orphanet 79411, MedGen C1851573, MONDO:0007548, OMIM 131705.
Recessive dystrophic epidermolysis bullosa (RDEB). Also called: Recessive DEB (RDEB); DYSTROPHIC EPIDERMOLYSIS BULLOSA, AUTOSOMAL RECESSIVE; EPIDERMOLYSIS BULLOSA DYSTROPHICA, HALLOPEAU-SIEMENS TYPE; Epidermolysis Bullosa Distrophica Autosomal Recessive (RDEB); Hallopeau-Siemens Disease; severe generalized recessive dystrophic epidermolysis bullosa. Identifiers: Orphanet 79408, Orphanet 79409, MedGen C0079474, MONDO:0009179, OMIM 226600.
Nonsyndromic congenital nail disorder 8. Also called: TOENAIL DYSTROPHY, ISOLATED. Identifiers: MedGen C1843761, MONDO:0011852, OMIM 607523.
Epidermolysis bullosa pruriginosa. Also called: DEB, PRURIGINOSA; DYSTROPHIC EPIDERMOLYSIS BULLOSA PRURIGINOSA. Identifiers: Orphanet 89843, MedGen C1275114, MONDO:0011398, OMIM 604129.
Pretibial dystrophic epidermolysis bullosa. Also called: EPIDERMOLYSIS BULLOSA DYSTROPHICA, PRETIBIAL; Pretibial epidermolysis bullosa; Pretibial blistering. Identifiers: Orphanet 79410, MedGen C0432321, MONDO:0007552, OMIM 131850, HP:0012221.
Dominant dystrophic epidermolysis bullosa with absence of skin. Also called: EPIDERMOLYSIS BULLOSA DYSTROPHICA, BART TYPE; EPIDERMOLYSIS BULLOSA WITH CONGENITAL LOCALIZED ABSENCE OF SKIN AND DEFORMITY OF NAILS. Identifiers: MedGen C0268371, MONDO:0007557, OMIM 132000.
Generalized dominant dystrophic epidermolysis bullosa (DDEB). Also called: Dominant DEB (DDEB); DDEB, generalized; DDEB-gen; DYSTROPHIC EPIDERMOLYSIS BULLOSA, AUTOSOMAL DOMINANT; Epidermolysis bullosa dystrophica, autosomal dominant. Identifiers: Orphanet 231568, MedGen C0432322, MONDO:0007549, OMIM 131750.
Epidermolysis bullosa dystrophica. Also called: Dystrophic epidermolysis bullosa, Hallopeau-Siemens type (formerly); Dystrophic epidermolysis bullosa. Identifiers: Orphanet 303, MedGen C0079294, MONDO:0006543.

Allele frequency attached by ClinVar (database versions not stated): gnomAD exomes 0.00001 and 0.00002; TOPMed 0.00001; gnomAD 0.00002; ExAC 0.00004.
gnomAD v4.1: 23 of 1,573,178 alleles (0.0015%); highest among the groups gnomAD compares: Middle Eastern, 0.017%; no homozygotes.

Submissions (4):

Labcorp Genetics (formerly Invitae), Labcorp
Classification: Pathogenic. Last evaluated: 2025-12-26. Review status: criteria provided, single submitter. Criteria: Invitae Variant Classification Sherloc (09022015). Collection method: clinical testing. Allele origin: germline.
Comment: This sequence change replaces arginine, which is basic and polar, with cysteine, which is neutral and slightly polar, at codon 2580 of the COL7A1 protein (p.Arg2580Cys). The frequency data for this variant in the population databases is considered unreliable, as metrics indicate poor data quality at this position in the gnomAD database. This missense change has been observed in individual(s) with autosomal recessive dystrophic epidermolysis bullosa (PMID: 31001817, 35979658; internal data). ClinVar contains an entry for this variant (Variation ID: 1048054). Invitae Evidence Modeling of protein sequence and biophysical properties (such as structural, functional, and spatial information, amino acid conservation, physicochemical variation, residue mobility, and thermodynamic stability) has been performed for this missense variant. However, the output from this modeling did not meet the statistical confidence thresholds required to predict the impact of this variant on COL7A1 protein function. For these reasons, this variant has been classified as Pathogenic.

Fulgent Genetics
Classification: Likely pathogenic for Transient bullous dermolysis of the newborn; Generalized dominant dystrophic epidermolysis bullosa; Pretibial dystrophic epidermolysis bullosa; Dominant dystrophic epidermolysis bullosa with absence of skin; Recessive dystrophic epidermolysis bullosa; Epidermolysis bullosa pruriginosa; Nonsyndromic congenital nail disorder 8. Last evaluated: 2024-05-01. Review status: criteria provided, single submitter. Criteria: ACMG Guidelines, 2015. Collection method: clinical testing. Allele origin: germline.

Center for Research in Genodermatoses and Epidermolysis Bullosa, University of Buenos Aires
Classification: Pathogenic for Recessive dystrophic epidermolysis bullosa. Last evaluated: 2022-03-14. Review status: criteria provided, single submitter. Criteria: ACMG Guidelines, 2015. Collection method: clinical testing. Allele origin: germline. Affected: yes. Observed: 3 variant alleles, 3 compound heterozygotes.

Biomedical Innovation Departament, CIEMAT
Classification: Pathogenic for Dystrophic epidermolysis bullosa. Last evaluated: 2018-11-22. Review status: criteria provided, single submitter. Criteria: ACMG Guidelines, 2015. Collection method: research. Allele origin: germline. Affected: yes. Observed: 1 variant allele.

Literature cited by the submitters: PubMed 31001817 (cited by Labcorp Genetics (formerly Invitae), Labcorp); PubMed 35979658 (cited by Labcorp Genetics (formerly Invitae), Labcorp and Center for Research in Genodermatoses and Epidermolysis Bullosa, University of Buenos Aires); PubMed 22058051 (cited by Center for Research in Genodermatoses and Epidermolysis Bullosa, University of Buenos Aires).